The following is an entry in ClinVar:

NM_000191.3(HMGCL):c.60+1G>C

Gene: HMGCL (3-hydroxy-3-methylglutaryl-CoA lyase; minus strand). Cytogenetic location: 1p36.11.
Variant type: single nucleotide variant.
Coding change: c.60+1G>C on transcript NM_000191.3 (MANE Select); the canonical splice donor site of the intron after coding-DNA position 60, G replaced by C.
Molecular consequence: splice donor variant.
Genome position (GRCh38, 1-based): chr1:23,825,355, C>G on the plus strand (G>C on the coding strand, the complement: HMGCL is on the minus strand). VCF-style: chr1-23825355-C-G. GRCh37 (hg19) VCF-style: chr1-24151845-C-G.
Other names: c.60+1G>C (NM_001166059.2).
Identifiers: ClinVar variation 2980005 (VCV002980005.3), dbSNP rs1324641233, ClinGen allele CA339031057.

ClinVar aggregate classification (germline): Likely pathogenic (1 of 4 stars; one submission).

Conditions:
Deficiency of hydroxymethylglutaryl-CoA lyase (HMGCLD). Also called: HMG-CoA LYASE DEFICIENCY; HMGCL DEFICIENCY; HYDROXYMETHYLGLUTARIC ACIDURIA; 3-hydroxy-3-methylglutaric aciduria; Defect in leucine metabolism. Identifiers: Orphanet 20, MedGen C1533587, MONDO:0009520, OMIM 246450.

Allele frequency attached by ClinVar (database versions not stated): gnomAD exomes below 0.00001.
gnomAD v4.1: 3 of 1,556,934 alleles (0.00019%); highest among the groups gnomAD compares: Non-Finnish European, 0.00026%; no homozygotes.

Submission:

Labcorp Genetics (formerly Invitae), Labcorp
Classification: Likely pathogenic for Deficiency of hydroxymethylglutaryl-CoA lyase. Last evaluated: 2022-12-24. Review status: criteria provided, single submitter. Criteria: Invitae Variant Classification Sherloc (09022015). Collection method: clinical testing. Allele origin: germline.
Comment: This variant is present in population databases (no rsID available, gnomAD 0.002%). This sequence change affects a donor splice site in intron 1 of the HMGCL gene. It is expected to disrupt RNA splicing. Variants that disrupt the donor or acceptor splice site typically lead to a loss of protein function (PMID: 16199547), and loss-of-function variants in HMGCL are known to be pathogenic (PMID: 9817922, 17692550, 23465862). Disruption of this splice site has been observed in individual(s) with HMGCL-related conditions (PMID: 34573903). In summary, the currently available evidence indicates that the variant is pathogenic, but additional data are needed to prove that conclusively. Therefore, this variant has been classified as Likely Pathogenic. Algorithms developed to predict the effect of sequence changes on RNA splicing suggest that this variant may disrupt the consensus splice site.

Literature cited by the submitters: PubMed 16199547; PubMed 9817922; PubMed 17692550; PubMed 23465862; PubMed 34573903.